The following is an entry in ClinVar:

NM_000492.4(CFTR):c.3189G>A (p.Trp1063Ter)

Genes: CFTR (CF transmembrane conductance regulator; plus strand), CFTR-AS2 (CFTR antisense RNA 2; minus strand), LOC111674472 (DNase I hypersensitive sites in introns 16 and 17a of CFTR; plus strand). Cytogenetic location: 7q31.2.
Variant type: single nucleotide variant.
Coding change: c.3189G>A on transcript NM_000492.4 (MANE Select); coding-DNA position 3189, G replaced by A.
Protein change: p.Trp1063Ter; replaces tryptophan 1063 with a stop codon.
Molecular consequence: nonsense.
Genome position (GRCh38, 1-based): chr7:117,611,630, G>A. VCF-style: chr7-117611630-G-A. GRCh37 (hg19) VCF-style: chr7-117251684-G-A.
Other names: short protein forms W1063*.
Identifiers: ClinVar variation 53674 (VCV000053674.6), dbSNP rs397508514, ClinGen allele CA327080.

ClinVar aggregate classification (germline): Pathogenic. Review status: criteria provided, multiple submitters, no conflicts (2 of 4 stars). 4 submissions from 4 submitters: Pathogenic (3). 1 of the submissions does not count toward it. Last evaluated 2025-08-05.

Conditions:
CFTR-related disorder (CFTR-RD). Also called: CFTR-related condition; CFTR-related disorders. Identifiers: MedGen C5924204, MONDO:7770004.
Cystic fibrosis (CF). Also called: MUCOVISCIDOSIS. Identifiers: Orphanet 586, MedGen C0010674, MONDO:0009061, OMIM 219700. Disease mechanism: loss of function.

Submissions (4):

Natera, Inc.
Classification: Pathogenic for CFTR-related disorders. Last evaluated: 2025-08-05. Review status: criteria provided, single submitter. Criteria: Natera Variant Classification Schema (03/2026). Collection method: clinical testing. Allele origin: germline.
Comment: The c.3189G>A variant in CFTR is a nonsense variant predicted to introduce a stop codon at amino acid 1063. This variant is expected to result in nonsense mediated decay, truncation, or a dysfunctional protein product. This variant is rare in the general population with a frequency below the threshold expected for the associated phenotype(s). This variant has been observed in one or more individuals affected with the associated recessive disease, as either homozygous or compound heterozygous with a second variant (PMID: 28603918, 12414835). Given the available evidence, this variant is classified as Pathogenic.

Labcorp Genetics (formerly Invitae), Labcorp
Classification: Pathogenic for Cystic fibrosis. Last evaluated: 2023-04-04. Review status: criteria provided, single submitter. Criteria: Invitae Variant Classification Sherloc (09022015). Collection method: clinical testing. Allele origin: germline.
Comment: This variant is not present in population databases (gnomAD no frequency). This sequence change creates a premature translational stop signal (p.Trp1063*) in the CFTR gene. It is expected to result in an absent or disrupted protein product. Loss-of-function variants in CFTR are known to be pathogenic (PMID: 1695717, 7691345, 9725922). This premature translational stop signal has been observed in individual(s) with cystic fibrosis (PMID: 1379210). ClinVar contains an entry for this variant (Variation ID: 53674). For these reasons, this variant has been classified as Pathogenic.

CFTR-France
Classification: Pathogenic for cystic fibrosis. Last evaluated: 2018-01-29. Review status: criteria provided, single submitter. Criteria: Claustres M et al. (Hum Mutat 2017). Collection method: curation. Allele origin: germline. Affected: yes.

ClinVar Staff, National Center for Biotechnology Information (NCBI)
No classification provided. Condition: CFTR-related disorders. Review status: no classification provided. Collection method: literature only. Allele origin: germline. Affected: yes. Not counted in ClinVar's aggregate classification.

Literature cited by the submitters: PubMed 28603918 (cited by Natera, Inc.); PubMed 12414835 (cited by Natera, Inc.); PubMed 1695717 (cited by Labcorp Genetics (formerly Invitae), Labcorp); PubMed 7691345 (cited by Labcorp Genetics (formerly Invitae), Labcorp); PubMed 9725922 (cited by Labcorp Genetics (formerly Invitae), Labcorp); PubMed 1379210 (cited by Labcorp Genetics (formerly Invitae), Labcorp); PubMed 15638824 (cited by ClinVar Staff, National Center for Biotechnology Information (NCBI)).